The following is an entry in ClinVar:

ClinVar aggregate classification (germline): Benign/Likely benign. Review status: criteria provided, multiple submitters, no conflicts (2 of 4 stars). 6 submissions from 6 submitters: Benign (3); Likely benign (1). 2 of the submissions do not count toward it. Last evaluated 2026-01-28.

Conditions:
RTTN-related disorder. Also called: RTTN-related condition.

Allele frequency attached by ClinVar (database versions not stated): gnomAD exomes 0.00058 and 0.00143; ExAC 0.00164; ESP Exome Variant Server 0.00485; gnomAD 0.00514 and 0.00548; TOPMed 0.00543; 1000 Genomes Project 30x 0.00625; 1000 Genomes Project 0.00639.
gnomAD v4.1: 1,670 of 1,613,704 alleles (0.1%); highest among the groups gnomAD compares: African/African-American, 1.8%; 14 homozygotes.

Submissions (6):

Labcorp Genetics (formerly Invitae), Labcorp
Classification: Benign. Last evaluated: 2026-01-28. Review status: criteria provided, single submitter. Criteria: Invitae Variant Classification Sherloc (09022015). Collection method: clinical testing. Allele origin: germline.

Genomic Medicine Center of Excellence, King Faisal Specialist Hospital and Research Centre
Classification: Likely benign. Last evaluated: 2025-08-18. Review status: criteria provided, single submitter. Criteria: ACMG Guidelines, 2015. Collection method: clinical testing. Allele origin: germline.

GeneDx
Classification: Benign. Last evaluated: 2018-11-07. Review status: criteria provided, single submitter. Criteria: GeneDx Variant Classification Process June 2021. Collection method: clinical testing. Allele origin: germline. Affected: yes.

Breakthrough Genomics
Classification: Benign. Review status: criteria provided, single submitter. Criteria: ACMG Guidelines, 2015. Collection method: not provided. Allele origin: germline. Inheritance: Autosomal recessive inheritance. Affected: yes.

PreventionGenetics, part of Exact Sciences
Classification: Benign for RTTN-related condition. Last evaluated: 2019-04-12. Review status: no assertion criteria provided. Collection method: clinical testing. Allele origin: germline. Not counted in ClinVar's aggregate classification.
Comment: This variant is classified as benign based on ACMG/AMP sequence variant interpretation guidelines (Richards et al. 2015 PMID: 25741868, with internal and published modifications).

Genetic Services Laboratory, University of Chicago
Classification: Likely benign for AllHighlyPenetrant. Review status: no assertion criteria provided. Collection method: clinical testing. Allele origin: germline. Inheritance: Autosomal recessive inheritance. Not counted in ClinVar's aggregate classification.
Comment: Likely benign based on allele frequency in 1000 Genomes Project or ESP global frequency and its presence in a patient with a rare or unrelated disease phenotype. NOT Sanger confirmed.

NM_173630.4(RTTN):c.3581A>G (p.Glu1194Gly)

Gene: RTTN (rotatin; minus strand). Cytogenetic location: 18q22.2.
Variant type: single nucleotide variant.
Coding change: c.3581A>G on transcript NM_173630.4 (MANE Select); coding-DNA position 3581, A replaced by G.
Protein change: p.Glu1194Gly; replaces glutamic acid 1194 with glycine.
Molecular consequence: missense variant.
Genome position (GRCh38, 1-based): chr18:70,114,547, T>C on the plus strand (A>G on the coding strand, the complement: RTTN is on the minus strand). VCF-style: chr18-70114547-T-C. GRCh37 (hg19) VCF-style: chr18-67781783-T-C.
Other names: c.845A>G, p.Glu282Gly (NM_001318520.2); short protein forms E1194G, E282G.
Identifiers: ClinVar variation 130177 (VCV000130177.20), dbSNP rs34533087, ClinGen allele CA155001.